The following is an entry in ClinVar:

ClinVar aggregate classification (germline): Pathogenic (1 of 4 stars; one submission).

Conditions:
Charcot-Marie-Tooth disease type 4. Also called: Charcot-Marie-Tooth disease, type IV; Charcot-Marie-Tooth, Type 4. Identifiers: Orphanet 64749, MedGen C4082197, MONDO:0018995.

Submission:

Labcorp Genetics (formerly Invitae), Labcorp
Classification: Pathogenic for Charcot-Marie-Tooth disease type 4. Last evaluated: 2021-03-23. Review status: criteria provided, single submitter. Criteria: Invitae Variant Classification Sherloc (09022015). Collection method: clinical testing. Allele origin: germline.
Comment: For these reasons, this variant has been classified as Pathogenic. This variant has not been reported in the literature in individuals with FIG4-related conditions. This variant is a gross deletion of the genomic region encompassing exon(s) 4-16 of the FIG4 gene. This deletion is out-of-frame, and is expected to create a premature translational stop signal and result in an absent or disrupted protein product. Loss-of-function variants in FIG4 are known to be pathogenic (PMID: 23623387).

Literature cited by the submitters: PubMed 23623387.

NC_000006.11:g.(?_110048292)_(110098283_?)del

Gene: FIG4 (FIG4 phosphoinositide 5-phosphatase; plus strand). Cytogenetic location: 6q21.
Variant type: Deletion.
Identifiers: ClinVar variation 1458878 (VCV001458878.6).